The following is an entry in ClinVar:

NM_001017980.4(VMA21):c.163+4A>G

Gene: VMA21 (vacuolar ATPase assembly factor VMA21; plus strand). Cytogenetic location: Xq28.
Variant type: single nucleotide variant.
Coding change: c.163+4A>G on transcript NM_001017980.4 (MANE Select); 4 bases into the intron after coding-DNA position 163, A replaced by G.
Molecular consequence: intron variant.
Genome position (GRCh38, 1-based): chrX:151,403,744, A>G. VCF-style: chrX-151403744-A-G. GRCh37 (hg19) VCF-style: chrX-150572216-A-G.
Other names: IVS2, A-G, +4; c.328+4A>G (NM_001363810.1).
Identifiers: ClinVar variation 208720 (VCV000208720.13), dbSNP rs797044909, ClinGen allele CA204757.

ClinVar aggregate classification (germline): Pathogenic. Review status: criteria provided, multiple submitters, no conflicts (2 of 4 stars). 3 submissions from 3 submitters: Pathogenic (2). 1 of the submissions does not count toward it. Last evaluated 2025-06-27.

Conditions:
Inborn genetic diseases. Identifiers: MedGen C0950123, MeSH D030342.
X-linked myopathy with excessive autophagy (AVM). Also called: Vacuolar myopathy; Autophagic vacuolar myopathy. Identifiers: Orphanet 25980, MedGen C1839615, MONDO:0010684, OMIM 310440.

Submissions (3):

Labcorp Genetics (formerly Invitae), Labcorp
Classification: Pathogenic for X-linked myopathy with excessive autophagy. Last evaluated: 2025-06-27. Review status: criteria provided, single submitter. Criteria: Invitae Variant Classification Sherloc (09022015). Collection method: clinical testing. Allele origin: germline.
Comment: This sequence change falls in intron 2 of the VMA21 gene. It does not directly change the encoded amino acid sequence of the VMA21 protein. It affects a nucleotide within the consensus splice site. This variant is not present in population databases (gnomAD no frequency). This variant has been observed in individuals with X-linked myopathy with excessive autophagy (PMID: 23315026, 25809233). ClinVar contains an entry for this variant (Variation ID: 208720). Algorithms developed to predict the effect of variants on gene product structure and function are not available or were not evaluated for this variant. Experimental studies have shown that this variant affects VMA21 function (PMID: 23315026). Variants that disrupt the consensus splice site are a relatively common cause of aberrant splicing (PMID: 17576681, 9536098). Algorithms developed to predict the effect of sequence changes on RNA splicing suggest that this variant may disrupt the consensus splice site. For these reasons, this variant has been classified as Pathogenic.

Ambry Genetics
Classification: Pathogenic for Inborn genetic diseases. Last evaluated: 2014-08-15. Review status: criteria provided, single submitter. Criteria: Ambry Variant Classification Scheme 2023. Collection method: clinical testing. Allele origin: germline.
Comment: The c.163+4A>G intronic alteration consists of a A to G substitution nucleotides after coding exon 2 in the VMA21 gene. The alteration is not observed in healthy cohorts:_x000D_ _x000D_ Based on data from the NHLBI Exome Sequencing Project (ESP), the c.163+4A>G alteration was not observed among 6,503 individuals tested. Allele frequency data for this nucleotide position are not currently available from the 1000 Genomes Project and the alteration is not currently listed in the Database of Single Nucleotide Polymorphisms (dbSNP). Though some variants may appear to be rare due to database-specific ethnic underrepresentation, rare missense alleles commonly exhibit a deleterious effect on protein function (Kryukov, 2007; Tennessen, 2012). REFERENCES: Kryukov GV, et al. (2007) Am J Hum Genet 80:727-739. Tennessen JA, et al. (2012) Science 337(64):64-69. The altered nucleotide is conserved throughout evolution:_x000D_ _x000D_ This nucleotide position is highly conserved in available vertebrate species. Functional analysis reveals a damaging effect of the nucleotide alteration: _x000D_ _x000D_ (Ramachandran, 2013): "c.163+4A>G, removes the A in the +4 position after exon 2, which contributes to optimal U1 snRNA binding during splicing." Demonstration of RNA reduction by quantative RT-PCR and protein level reduction by Western (in vitro analyses included both pateint fibroblast and lymphoblasts as well as yeast complementation assay) The alteration is predicted deleterious by in silico models:_x000D_ _x000D_ The c.163+4A>G alteration is predicted to weaken the native splice donor site efficiency by the in silico programs Fruitfly and ESEfinder 3.0. Based on the available evidence, this alteration is classified as pathogenic.

OMIM
Classification: Pathogenic for MYOPATHY, X-LINKED, WITH EXCESSIVE AUTOPHAGY. Last evaluated: 2013-03-01. Review status: no assertion criteria provided. Collection method: literature only. Allele origin: germline. Not counted in ClinVar's aggregate classification.

Literature cited by the submitters: PubMed 23315026 (cited by 3 submitters); PubMed 25809233 (cited by Labcorp Genetics (formerly Invitae), Labcorp); PubMed 17576681 (cited by Labcorp Genetics (formerly Invitae), Labcorp); PubMed 9536098 (cited by Labcorp Genetics (formerly Invitae), Labcorp).